The following is an entry in ClinVar:

ClinVar aggregate classification (germline): Uncertain significance (1 of 4 stars; one submission).

Conditions:
Inborn genetic diseases. Identifiers: MedGen C0950123, MeSH D030342.

Allele frequency attached by ClinVar (database versions not stated): gnomAD 0.00001; ExAC 0.00002; gnomAD exomes 0.00002; TOPMed 0.00003.
gnomAD v4.1: 27 of 1,613,170 alleles (0.0017%); highest among the groups gnomAD compares: Middle Eastern, 0.018%; no homozygotes.

Submission:

Ambry Genetics
Classification: Uncertain significance for Inborn genetic diseases. Last evaluated: 2016-11-04. Review status: criteria provided, single submitter. Criteria: Ambry Variant Classification Scheme 2023. Collection method: clinical testing. Allele origin: germline.
Comment: The p.G441V variant (also known as c.1322G>T), located in coding exon 12 of the CC2D1A gene, results from a G to T substitution at nucleotide position 1322. The glycine at codon 441 is replaced by valine, an amino acid with dissimilar properties. This variant was not reported in population based cohorts in the following databases: Database of Single Nucleotide Polymorphisms (dbSNP), NHLBI Exome Sequencing Project (ESP), and 1000 Genomes Project. In the ESP, this variant was not observed in 6065 samples (12130 alleles) with coverage at this position. This amino acid position is not well conserved in available vertebrate species. In addition, this alteration is predicted to be tolerated by in silico analysis. Since clinical data on this variant is limited at this time, its clinical significance is unclear.

NM_017721.5(CC2D1A):c.1322G>T (p.Gly441Val)

Gene: CC2D1A (coiled-coil and C2 domain containing 1A; plus strand). Cytogenetic location: 19p13.12.
Variant type: single nucleotide variant.
Coding change: c.1322G>T on transcript NM_017721.5 (MANE Select); coding-DNA position 1322, G replaced by T.
Protein change: p.Gly441Val; replaces glycine 441 with valine.
Molecular consequence: missense variant.
Genome position (GRCh38, 1-based): chr19:13,919,917, G>T. VCF-style: chr19-13919917-G-T. GRCh37 (hg19) VCF-style: chr19-14030730-G-T.
Other names: short protein forms G441V.
Identifiers: ClinVar variation 588413 (VCV000588413.5), dbSNP rs749470672, ClinGen allele CA9244634.